The following is an entry in ClinVar:

NM_002677.5(PMP2):c.369G>A (p.Val123=)

Gene: PMP2 (peripheral myelin protein 2; minus strand). Cytogenetic location: 8q21.13.
Variant type: single nucleotide variant.
Coding change: c.369G>A on transcript NM_002677.5 (MANE Select); coding-DNA position 369, G replaced by A.
Protein change: p.Val123=; no amino-acid change (valine 123 retained).
Molecular consequence: synonymous variant. On other transcripts: 3 prime UTR variant (1).
Genome position (GRCh38, 1-based): chr8:81,443,428, C>T on the plus strand (G>A on the coding strand, the complement: PMP2 is on the minus strand). VCF-style: chr8-81443428-C-T. GRCh37 (hg19) VCF-style: chr8-82355663-C-T.
Other names: c.*13G>A (NM_001348381.2).
Identifiers: ClinVar variation 3677720 (VCV003677720.2).

ClinVar aggregate classification (germline): Uncertain significance (1 of 4 stars; one submission).

Submission:

Labcorp Genetics (formerly Invitae), Labcorp
Classification: Uncertain significance. Last evaluated: 2024-03-03. Review status: criteria provided, single submitter. Criteria: Invitae Variant Classification Sherloc (09022015). Collection method: clinical testing. Allele origin: germline.
Comment: This sequence change affects codon 123 of the PMP2 mRNA. It is a 'silent' change, meaning that it does not change the encoded amino acid sequence of the PMP2 protein. This variant is not present in population databases (gnomAD no frequency). This variant has not been reported in the literature in individuals affected with PMP2-related conditions. Algorithms developed to predict the effect of sequence changes on RNA splicing suggest that this variant may disrupt the consensus splice site. In summary, the available evidence is currently insufficient to determine the role of this variant in disease. Therefore, it has been classified as a Variant of Uncertain Significance.